The following is an entry in ClinVar:

ClinVar aggregate classification (germline): Uncertain significance (1 of 4 stars; one submission).

Submission:

CeGaT Center for Human Genetics Tuebingen
Classification: Uncertain significance. Last evaluated: 2026-08-01. Review status: criteria provided, single submitter. Criteria: CeGaT Center For Human Genetics Tuebingen Variant Classification Criteria Version 2. Collection method: clinical testing. Allele origin: germline. Affected: yes. Observed: 1 variant allele.
Comment: PHF8: PM2, BP4

NM_015107.3(PHF8):c.1894C>A (p.Leu632Met)

Gene: PHF8 (PHD finger protein 8; minus strand). Cytogenetic location: Xp11.22.
Variant type: single nucleotide variant.
Coding change: c.1894C>A on transcript NM_015107.3 (MANE Select); coding-DNA position 1894, C replaced by A.
Protein change: p.Leu632Met; replaces leucine 632 with methionine.
Molecular consequence: missense variant.
Genome position (GRCh38, 1-based): chrX:53,987,781, G>T on the plus strand (C>A on the coding strand, the complement: PHF8 is on the minus strand). VCF-style: chrX-53987781-G-T. GRCh37 (hg19) VCF-style: chrX-54014214-G-T.
Other names: c.2002C>A, p.Leu668Met (NM_001184896.1, NM_001441097.1); c.1591C>A, p.Leu531Met (NM_001184897.2); c.1894C>A, p.Leu632Met (NM_001184898.2); c.1699C>A, p.Leu567Met (NM_001441096.1, NM_001441098.1); short protein forms L531M, L567M, L632M, L668M.
Identifiers: ClinVar variation 5039882 (VCV005039882.1).
Genomic context (GRCh38, chrX:53,987,781, plus strand): 5'-ACAAAAAAACGGGCAGGGGAGGAAAAAGAAAGAACAGACACACACTTGGTCTTATTATCA[G>T]GGTCGCCTTCTCCTTTCCCAATCTCTCGTCAATCTGCAGCTCATCATCTGAATCCAAGTC-3'
Protein context (NP_055922.1, residues 622-642): DERLGKEKAT[Leu632Met]IIRPKFPRKL